The following is an entry in ClinVar:

NM_033100.4(CDHR1):c.868G>C (p.Asp290His)

Gene: CDHR1 (cadherin related family member 1; plus strand). Cytogenetic location: 10q23.1.
Variant type: single nucleotide variant.
Coding change: c.868G>C on transcript NM_033100.4 (MANE Select); coding-DNA position 868, G replaced by C.
Protein change: p.Asp290His; replaces aspartic acid 290 with histidine.
Molecular consequence: missense variant.
Genome position (GRCh38, 1-based): chr10:84,205,832, G>C. VCF-style: chr10-84205832-G-C. GRCh37 (hg19) VCF-style: chr10-85965588-G-C.
Other names: c.868G>C, p.Asp290His (NM_001171971.3); c.868G>C (NM_033100.2); short protein forms D290H.
Identifiers: ClinVar variation 2067653 (VCV002067653.2), dbSNP rs373576430, ClinGen allele CA377373704.

ClinVar aggregate classification (germline): Uncertain significance. Review status: criteria provided, multiple submitters, no conflicts (2 of 4 stars). 2 submissions from 2 submitters: Uncertain significance (2). Last evaluated 2025-05-13.

Conditions:
Inborn genetic diseases. Identifiers: MedGen C0950123, MeSH D030342.

gnomAD v4.1: 5 of 1,613,378 alleles (0.00031%); highest among the groups gnomAD compares: African/African-American, 0.0067%; no homozygotes.

Submissions (2):

Ambry Genetics
Classification: Uncertain significance for Inborn genetic diseases. Last evaluated: 2025-05-13. Review status: criteria provided, single submitter. Criteria: Ambry Variant Classification Scheme 2023. Collection method: clinical testing. Allele origin: germline.

Labcorp Genetics (formerly Invitae), Labcorp
Classification: Uncertain significance. Last evaluated: 2022-08-06. Review status: criteria provided, single submitter. Criteria: Invitae Variant Classification Sherloc (09022015). Collection method: clinical testing. Allele origin: germline.
Comment: This sequence change replaces aspartic acid, which is acidic and polar, with histidine, which is basic and polar, at codon 290 of the CDHR1 protein (p.Asp290His). This variant is present in population databases (no rsID available, gnomAD 0.007%). This variant has not been reported in the literature in individuals affected with CDHR1-related conditions. Advanced modeling of protein sequence and biophysical properties (such as structural, functional, and spatial information, amino acid conservation, physicochemical variation, residue mobility, and thermodynamic stability) performed at Invitae indicates that this missense variant is not expected to disrupt CDHR1 protein function. In summary, the available evidence is currently insufficient to determine the role of this variant in disease. Therefore, it has been classified as a Variant of Uncertain Significance.